The following is an entry in ClinVar:

NM_001127511.3(APC):c.-158G>C

Gene: APC (APC regulator of Wnt signaling pathway; plus strand). Cytogenetic location: 5q22.2.
Variant type: single nucleotide variant.
Coding change: c.-158G>C on transcript NM_001127511.3; 158 bases upstream of the start codon, G replaced by C.
Molecular consequence: 5 prime UTR variant. On other transcripts: non-coding transcript variant (2).
Genome position (GRCh38, 1-based): chr5:112,707,560, G>C. VCF-style: chr5-112707560-G-C. GRCh37 (hg19) VCF-style: chr5-112043257-G-C.
Other names: c.-341G>C (NM_001354895.2, NM_001407447.1, NM_001407452.1 and 3 more transcripts); c.-158G>C (NM_001354897.2, NM_001354902.2, NM_001407446.1); c.-108G>C (NM_001407448.1, NM_001407450.1, NM_001407457.1 and 1 more transcripts); c.-132G>C (NM_001407453.1); c.-1376G>C (NM_001407470.1, NM_001407472.1).
Identifiers: ClinVar variation 1020428 (VCV001020428.9), dbSNP rs1750576619, ClinGen allele CA1573442442.

ClinVar aggregate classification (germline): Uncertain significance (1 of 4 stars; one submission).

Conditions:
Familial adenomatous polyposis 1 (FAP1). Also called: FAMILIAL ADENOMATOUS POLYPOSIS 1, ATTENUATED; POLYPOSIS, ADENOMATOUS INTESTINAL. Identifiers: MedGen C2713442, MONDO:0021056, OMIM 175100. Disease mechanism: loss of function.

Allele frequency attached by ClinVar (database versions not stated): gnomAD exomes below 0.00001.
gnomAD v4.1: 2 of 679,416 alleles (0.00029%); highest among the groups gnomAD compares: South Asian, 0.0017%; no homozygotes.

Submission:

Labcorp Genetics (formerly Invitae), Labcorp
Classification: Uncertain significance for Familial adenomatous polyposis 1. Last evaluated: 2022-03-06. Review status: criteria provided, single submitter. Criteria: Invitae Variant Classification Sherloc (09022015). Collection method: clinical testing. Allele origin: germline.
Comment: This variant occurs in a non-coding region of the APC gene. It does not change the encoded amino acid sequence of the APC protein. This variant is not present in population databases (gnomAD no frequency). This variant has not been reported in the literature in individuals affected with APC-related conditions. Experimental studies and prediction algorithms are not available or were not evaluated, and the functional significance of this variant is currently unknown. In summary, the available evidence is currently insufficient to determine the role of this variant in disease. Therefore, it has been classified as a Variant of Uncertain Significance.